The following is an entry in ClinVar:

ClinVar aggregate classification (germline): Likely benign. Review status: criteria provided, multiple submitters, no conflicts (2 of 4 stars). 4 submissions from 4 submitters: Likely benign (3). 1 of the submissions does not count toward it. Last evaluated 2026-05-14.

Conditions:
CUL7-related disorder. Also called: CUL7-related condition.

Allele frequency attached by ClinVar (database versions not stated): gnomAD exomes 0.00008 and 0.00015; gnomAD 0.00011; ESP Exome Variant Server 0.00015; TOPMed 0.00015; 1000 Genomes Project 30x 0.00016; ExAC 0.00018; 1000 Genomes Project 0.00020.
gnomAD v4.1: 131 of 1,614,210 alleles (0.0081%); highest among the groups gnomAD compares: Middle Eastern, 0.25%; no homozygotes.

Submissions (4):

Women's Health and Genetics/Laboratory Corporation of America, LabCorp
Classification: Likely benign. Last evaluated: 2026-05-14. Review status: criteria provided, single submitter. Criteria: LabCorp Variant Classification Summary - May 2015. Collection method: clinical testing. Allele origin: germline.

Labcorp Genetics (formerly Invitae), Labcorp
Classification: Likely benign. Last evaluated: 2025-12-13. Review status: criteria provided, single submitter. Criteria: Invitae Variant Classification Sherloc (09022015). Collection method: clinical testing. Allele origin: germline.

Blueprint Genetics
Classification: Likely benign. Last evaluated: 2024-07-05. Review status: criteria provided, single submitter. Criteria: ACMG Guidelines, 2015. Collection method: clinical testing. Allele origin: germline.

PreventionGenetics, part of Exact Sciences
Classification: Likely benign for CUL7-related condition. Last evaluated: 2019-12-13. Review status: no assertion criteria provided. Collection method: clinical testing. Allele origin: germline. Not counted in ClinVar's aggregate classification.
Comment: This variant is classified as likely benign based on ACMG/AMP sequence variant interpretation guidelines (Richards et al. 2015 PMID: 25741868, with internal and published modifications).

NM_014780.5(CUL7):c.4431C>T (p.Asn1477=)

Gene: CUL7 (cullin 7; minus strand). Cytogenetic location: 6p21.1.
Variant type: single nucleotide variant.
Coding change: c.4431C>T on transcript NM_014780.5 (MANE Select); coding-DNA position 4431, C replaced by T.
Protein change: p.Asn1477=; no amino-acid change (asparagine 1477 retained).
Molecular consequence: synonymous variant.
Genome position (GRCh38, 1-based): chr6:43,038,851, G>A on the plus strand (C>T on the coding strand, the complement: CUL7 is on the minus strand). VCF-style: chr6-43038851-G-A. GRCh37 (hg19) VCF-style: chr6-43006589-G-A.
Other names: c.4527C>T, p.Asn1509= (NM_001168370.2, NM_001374872.1); c.4431C>T, p.Asn1477= (NM_001374873.1); c.4428C>T, p.Asn1476= (NM_001374874.1).
Identifiers: ClinVar variation 741051 (VCV000741051.13), dbSNP rs149530175, ClinGen allele CA3813220.